The following is an entry in ClinVar:

ClinVar aggregate classification (germline): Uncertain significance (1 of 4 stars; one submission).

Allele frequency attached by ClinVar (database versions not stated): gnomAD exomes below 0.00001.
gnomAD v4.1: 6 of 1,232,812 alleles (0.00049%); highest among the groups gnomAD compares: Non-Finnish European, 0.00051%; no homozygotes.

Submission:

Labcorp Genetics (formerly Invitae), Labcorp
Classification: Uncertain significance. Last evaluated: 2022-12-30. Review status: criteria provided, single submitter. Criteria: Invitae Variant Classification Sherloc (09022015). Collection method: clinical testing. Allele origin: germline.
Comment: In summary, the available evidence is currently insufficient to determine the role of this variant in disease. Therefore, it has been classified as a Variant of Uncertain Significance. Algorithms developed to predict the effect of missense changes on protein structure and function (SIFT, PolyPhen-2, Align-GVGD) all suggest that this variant is likely to be tolerated. This variant has not been reported in the literature in individuals affected with FBXO11-related conditions. This variant is not present in population databases (gnomAD no frequency). This sequence change replaces arginine, which is basic and polar, with leucine, which is neutral and non-polar, at codon 71 of the FBXO11 protein (p.Arg71Leu).

NM_001190274.2(FBXO11):c.212G>T (p.Arg71Leu)

Gene: FBXO11 (F-box protein 11; minus strand). Cytogenetic location: 2p16.3.
Variant type: single nucleotide variant.
Coding change: c.212G>T on transcript NM_001190274.2 (MANE Select); coding-DNA position 212, G replaced by T.
Protein change: p.Arg71Leu; replaces arginine 71 with leucine.
Molecular consequence: missense variant.
Genome position (GRCh38, 1-based): chr2:47,905,509, C>A on the plus strand (G>T on the coding strand, the complement: FBXO11 is on the minus strand). VCF-style: chr2-47905509-C-A. GRCh37 (hg19) VCF-style: chr2-48132648-C-A.
Other names: short protein forms R71L.
Identifiers: ClinVar variation 3011683 (VCV003011683.3), dbSNP rs1678717973, ClinGen allele CA346812503.
Genomic context (GRCh38, chr2:47,905,509, plus strand): 5'-GCCCGGGAAGGCGGGCGGTTGGGAGGTAGCGCGGCCTTACCCCGCTCGCCGACGTTGTTC[C>A]GCTCCTGAGGCAGCGGCGGAGGCGGCGGTGGCGGCGGCGGAGGCTGCTGCTGCTGCTGCT-3'
Protein context (NP_001177203.1, residues 61-81): PPPPPPLPQE[Arg71Leu]NNVGERDDDV